The following is an entry in ClinVar:

NC_000010.10:g.(?_73206055)_(73206172_?)del

Gene: CDH23 (cadherin related 23; plus strand). Cytogenetic location: 10q22.1.
Variant type: Deletion.
Identifiers: ClinVar variation 1523903 (VCV001523903.4).

ClinVar aggregate classification (germline): Likely pathogenic (1 of 4 stars; one submission).

Submission:

Labcorp Genetics (formerly Invitae), Labcorp
Classification: Likely pathogenic. Last evaluated: 2021-10-21. Review status: criteria provided, single submitter. Criteria: Invitae Variant Classification Sherloc (09022015). Collection method: clinical testing. Allele origin: germline.
Comment: In summary, the currently available evidence indicates that the variant is pathogenic, but additional data are needed to prove that conclusively. Therefore, this variant has been classified as Likely Pathogenic. This variant disrupts a region of the CDH23 protein in which other variant(s) (p.Glu44Lys) have been observed in individuals with CDH23-related conditions (PMID: 30774966). This suggests that this is a clinically significant region of the protein, and that variants that disrupt it are likely to be disease-causing. A similar copy number variant has been observed in individual(s) with Usher syndrome (Invitae). In at least one individual the data is consistent with the variant being in trans (on the opposite chromosome) from a pathogenic variant. This variant is a gross deletion of the genomic region encompassing exon(s) 3 of the CDH23 gene. This variant would be expected to be in-frame, preserving the integrity of the reading frame.

Literature cited by the submitters: PubMed 30774966.